The following is an entry in ClinVar:

ClinVar aggregate classification (germline): Uncertain significance (1 of 4 stars; one submission).

Conditions:
Familial temporal lobe epilepsy 7. Identifiers: Orphanet 101046, MedGen C4225327, MONDO:0014639, OMIM 616436.
Norman-Roberts syndrome (LIS2). Also called: Lissencephaly 2 (Norman-Roberts type). Identifiers: Orphanet 89844, MedGen C0796089, MONDO:0009760, OMIM 257320.

Allele frequency attached by ClinVar (database versions not stated): TOPMed below 0.00001; ExAC 0.00003.
gnomAD v4.1: 6 of 1,610,434 alleles (0.00037%); highest among the groups gnomAD compares: East Asian, 0.011%; no homozygotes.

Submission:

Labcorp Genetics (formerly Invitae), Labcorp
Classification: Uncertain significance for Familial temporal lobe epilepsy 7; Norman-Roberts syndrome. Last evaluated: 2023-07-18. Review status: criteria provided, single submitter. Criteria: Invitae Variant Classification Sherloc (09022015). Collection method: clinical testing. Allele origin: germline.
Comment: In summary, the available evidence is currently insufficient to determine the role of this variant in disease. Therefore, it has been classified as a Variant of Uncertain Significance. Variants that disrupt the consensus splice site are a relatively common cause of aberrant splicing (PMID: 17576681, 9536098). Algorithms developed to predict the effect of sequence changes on RNA splicing suggest that this variant is not likely to affect RNA splicing. This variant has not been reported in the literature in individuals affected with RELN-related conditions. This variant is present in population databases (rs775164291, gnomAD 0.01%). This sequence change falls in intron 58 of the RELN gene. It does not directly change the encoded amino acid sequence of the RELN protein. It affects a nucleotide within the consensus splice site.

Literature cited by the submitters: PubMed 17576681; PubMed 9536098.

NM_005045.4(RELN):c.9443+3T>G

Genes: RELN (reelin; minus strand), SLC26A5-AS1 (SLC26A5 antisense RNA 1; plus strand). Cytogenetic location: 7q22.1.
Variant type: single nucleotide variant.
Coding change: c.9443+3T>G on transcript NM_005045.4 (MANE Select); 3 bases into the intron after coding-DNA position 9443, T replaced by G.
Molecular consequence: intron variant.
Genome position (GRCh38, 1-based): chr7:103,491,950, A>C on the plus strand (T>G on the coding strand, the complement: RELN is on the minus strand). VCF-style: chr7-103491950-A-C. GRCh37 (hg19) VCF-style: chr7-103132397-A-C.
Other names: c.9443+3T>G (NM_173054.3).
Identifiers: ClinVar variation 2935110 (VCV002935110.3), dbSNP rs775164291, ClinGen allele CA4420225.